The following is an entry in ClinVar:

NM_006767.4(LZTR1):c.1150-12_1150-10del

Gene: LZTR1 (leucine zipper like post translational regulator 1; plus strand). Cytogenetic location: 22q11.21.
Variant type: Microsatellite.
Coding change: c.1150-12_1150-10del on transcript NM_006767.4 (MANE Select); 12 bases into the intron before coding-DNA position 1150 through 10 bases into the intron before coding-DNA position 1150, 3 bases deleted (CTT; older notation c.1150-12_1150-10delCTT).
Molecular consequence: intron variant.
Genome position (GRCh38, 1-based): chr22:20,992,782-20,992,784, CTT deleted; deleting any 3 consecutive bases within chr22:20,992,779-20,992,784 gives the same sequence; the c. name uses the placement nearest the transcript's 3' end. VCF-style (leftmost placement, unchanged base first): chr22-20992778-CCTT-C. GRCh37 (hg19) VCF-style: chr22-21347067-CCTT-C.
Other names: c.1150-12_1150-10delCTT (NM_006767.3).
Identifiers: ClinVar variation 1673889 (VCV001673889.10), dbSNP rs747368239, ClinGen allele CA10118751.

ClinVar aggregate classification (germline): Likely benign. Review status: criteria provided, single submitter (1 of 4 stars). 2 submissions from 2 submitters: Likely benign (1). 1 of the submissions does not count toward it. Last evaluated 2025-12-22.

Conditions:
LZTR1-related disorder. Also called: LZTR1-related disorders; LZTR1-related condition.

Submissions (2):

Labcorp Genetics (formerly Invitae), Labcorp
Classification: Likely benign. Last evaluated: 2025-12-22. Review status: criteria provided, single submitter. Criteria: Invitae Variant Classification Sherloc (09022015). Collection method: clinical testing. Allele origin: germline.

PreventionGenetics, part of Exact Sciences
Classification: Likely benign for LZTR1-related condition. Last evaluated: 2021-12-13. Review status: no assertion criteria provided. Collection method: clinical testing. Allele origin: germline. Not counted in ClinVar's aggregate classification.
Comment: This variant is classified as likely benign based on ACMG/AMP sequence variant interpretation guidelines (Richards et al. 2015 PMID: 25741868, with internal and published modifications).